The following is an entry in ClinVar:

NM_130468.4(CHST14):c.1033del (p.Arg345fs)

Gene: CHST14 (carbohydrate sulfotransferase 14; plus strand). Cytogenetic location: 15q15.1.
Variant type: Deletion.
Coding change: c.1033del on transcript NM_130468.4 (MANE Select); coding-DNA position 1033, one base deleted (C; older notation c.1033delC).
Protein change: p.Arg345fs; shifts the reading frame from arginine 345.
Molecular consequence: frameshift variant.
Genome position (GRCh38, 1-based): chr15:40,472,246, C deleted; the last of 6 consecutive C bases (chr15:40,472,241-40,472,246); deleting any one gives the same sequence. VCF-style (leftmost placement, unchanged base first): chr15-40472240-GC-G. GRCh37 (hg19) VCF-style: chr15-40764439-GC-G.
Other names: short protein forms R345fs.
Identifiers: ClinVar variation 2813007 (VCV002813007.3), dbSNP rs774738190, ClinGen allele CA2171795453.

ClinVar aggregate classification (germline): Uncertain significance (1 of 4 stars; one submission).

Conditions:
Ehlers-Danlos syndrome, musculocontractural type (EDSMC). Also called: DUNDAR SYNDROME; Adducted thumb, clubfoot, progressive joint and skin laxity syndrome; ARTHROGRYPOSIS, DISTAL, WITH PECULIAR FACIES AND HYDRONEPHROSIS; ADDUCTED THUMB-CLUBFOOT SYNDROME. Identifiers: Orphanet 2953, MedGen C1866294, MONDO:0011142.

Submission:

Labcorp Genetics (formerly Invitae), Labcorp
Classification: Uncertain significance for Ehlers-Danlos syndrome, musculocontractural type. Last evaluated: 2023-05-21. Review status: criteria provided, single submitter. Criteria: Invitae Variant Classification Sherloc (09022015). Collection method: clinical testing. Allele origin: germline.
Comment: This sequence change creates a premature translational stop signal (p.Arg345Glyfs*89) in the CHST14 gene. While this is not anticipated to result in nonsense mediated decay, it is expected to disrupt the last 32 amino acid(s) of the CHST14 protein. This variant is not present in population databases (gnomAD no frequency). This variant has not been reported in the literature in individuals affected with CHST14-related conditions. In summary, the available evidence is currently insufficient to determine the role of this variant in disease. Therefore, it has been classified as a Variant of Uncertain Significance.